The following is an entry in ClinVar:

NM_016122.3(CEP83):c.671T>C (p.Leu224Ser)

Gene: CEP83 (centrosomal protein 83; minus strand). Cytogenetic location: 12q22.
Variant type: single nucleotide variant.
Coding change: c.671T>C on transcript NM_016122.3 (MANE Select); coding-DNA position 671, T replaced by C.
Protein change: p.Leu224Ser; replaces leucine 224 with serine.
Molecular consequence: missense variant. On other transcripts: non-coding transcript variant (3).
Genome position (GRCh38, 1-based): chr12:94,378,921, A>G on the plus strand (T>C on the coding strand, the complement: CEP83 is on the minus strand). VCF-style: chr12-94378921-A-G. GRCh37 (hg19) VCF-style: chr12-94772697-A-G.
Other names: c.671T>C (NM_016122.2); c.671T>C, p.Leu224Ser (NM_001042399.2, NM_001346457.2, NM_001346460.2 and 3 more transcripts); c.359T>C, p.Leu120Ser (NM_001346458.2, NM_001346459.2, NM_001346462.2 and 2 more transcripts); c.446T>C, p.Leu149Ser (NM_001368041.1); c.134T>C, p.Leu45Ser (NM_001368042.1); short protein forms L149S, L120S, L45S, L224S.
Identifiers: ClinVar variation 1360812 (VCV001360812.7), dbSNP rs370654785, ClinGen allele CA6721868.
Genomic context (GRCh38, chr12:94,378,921, plus strand): 5'-TGAGCCTCAGAATTCTCCTTTTCAGCCTTTAATTCCGCTACTTCAGCCTCTAAACCTTTT[A>G]ATTTTTGACACAAATAGACTTTTTCTCGAGCAAGTTGTTCCACTCGTTTGCTGTCTTTTG-3'
Protein context (NP_057206.2, residues 214-234): AREKVYLCQK[Leu224Ser]KGLEAEVAEL

ClinVar aggregate classification (germline): Uncertain significance. Review status: criteria provided, multiple submitters, no conflicts (2 of 4 stars). 3 submissions from 3 submitters: Uncertain significance (3). Last evaluated 2024-11-15.

Conditions:
Nephronophthisis 18 (NPHP18). Identifiers: Orphanet 655, MedGen C3890591, MONDO:0014374, OMIM 615862.
Inborn genetic diseases. Identifiers: MedGen C0950123, MeSH D030342.

Allele frequency attached by ClinVar (database versions not stated): ExAC 0.00001; gnomAD 0.00003; gnomAD exomes 0.00003; TOPMed 0.00003; ESP Exome Variant Server 0.00008.
gnomAD v4.1: 48 of 1,613,902 alleles (0.003%); highest among the groups gnomAD compares: Admixed American, 0.012%; no homozygotes.

Submissions (3):

Ambry Genetics
Classification: Uncertain significance for Inborn genetic diseases. Last evaluated: 2024-11-15. Review status: criteria provided, single submitter. Criteria: Ambry Variant Classification Scheme 2023. Collection method: clinical testing. Allele origin: germline.

Labcorp Genetics (formerly Invitae), Labcorp
Classification: Uncertain significance for Nephronophthisis 18. Last evaluated: 2024-08-15. Review status: criteria provided, single submitter. Criteria: Invitae Variant Classification Sherloc (09022015). Collection method: clinical testing. Allele origin: germline.
Comment: This sequence change replaces leucine, which is neutral and non-polar, with serine, which is neutral and polar, at codon 224 of the CEP83 protein (p.Leu224Ser). This variant is present in population databases (rs370654785, gnomAD 0.01%). This variant has not been reported in the literature in individuals affected with CEP83-related conditions. ClinVar contains an entry for this variant (Variation ID: 1360812). Invitae Evidence Modeling of protein sequence and biophysical properties (such as structural, functional, and spatial information, amino acid conservation, physicochemical variation, residue mobility, and thermodynamic stability) has been performed for this missense variant. However, the output from this modeling did not meet the statistical confidence thresholds required to predict the impact of this variant on CEP83 protein function. In summary, the available evidence is currently insufficient to determine the role of this variant in disease. Therefore, it has been classified as a Variant of Uncertain Significance.

Blueprint Genetics
Classification: Uncertain significance. Last evaluated: 2024-01-29. Review status: criteria provided, single submitter. Criteria: ACMG Guidelines, 2015. Collection method: clinical testing. Allele origin: germline.